The following is an entry in ClinVar:

NM_005802.5(TOPORS):c.2018_2019delinsTA (p.Arg673Leu)

Gene: TOPORS (TOP1 binding arginine/serine rich protein, E3 ubiquitin ligase; minus strand). Cytogenetic location: 9p21.1.
Variant type: Indel.
Coding change: c.2018_2019delinsTA on transcript NM_005802.5 (MANE Select); coding-DNA positions 2018 to 2019, GT replaced by TA.
Protein change: p.Arg673Leu; replaces arginine 673 with leucine.
Molecular consequence: missense variant.
Genome position (GRCh38, 1-based): chr9:32,542,506-32,542,507, AC replaced by TA on the plus strand (GT replaced by TA on the coding strand, the reverse complement: TOPORS is on the minus strand). VCF-style: chr9-32542506-AC-TA. GRCh37 (hg19) VCF-style: chr9-32542504-AC-TA.
Other names: c.1823_1824delinsTA, p.Arg608Leu (NM_001195622.2); short protein forms R608L, R673L.
Identifiers: ClinVar variation 196427 (VCV000196427.14), dbSNP rs797044708, ClinGen allele CA243384.
Genomic context (GRCh38, chr9:32,542,506, plus strand): 5'-TCTTAAATAATAACGATCTCTATTTCTGCTCCGTGATCTTCTTTTACCATGATCACTGCT[AC>TA]GAGACCTTGATCTGCTTGTGCTTTCACTACTTAGAGACAGAGTTTGGCTTCTTCTGGACC-3'
Protein context (NP_005793.2, residues 663-683): SSESTSRSRS[Arg673Leu]SSDHGKRRSR

ClinVar aggregate classification (germline): Uncertain significance. Review status: criteria provided, multiple submitters, no conflicts (2 of 4 stars). 3 submissions from 3 submitters: Uncertain significance (2). 1 of the submissions does not count toward it. Last evaluated 2025-12-03.

Conditions:
Retinal dystrophy. Also called: Inherited retinal dystrophy. Identifiers: Orphanet 71862, MedGen C0854723, MeSH D058499, MONDO:0019118, HP:0000556.

Submissions (3):

Labcorp Genetics (formerly Invitae), Labcorp
Classification: Uncertain significance. Last evaluated: 2025-12-03. Review status: criteria provided, single submitter. Criteria: Invitae Variant Classification Sherloc (09022015). Collection method: clinical testing. Allele origin: germline.
Comment: This sequence change replaces arginine, which is basic and polar, with leucine, which is neutral and non-polar, at codon 673 of the TOPORS protein (p.Arg673Leu). This variant is present in population databases (rs797044708, gnomAD 0.02%). This variant has not been reported in the literature in individuals affected with TOPORS-related conditions. ClinVar contains an entry for this variant (Variation ID: 196427). Experimental studies and prediction algorithms are not available or were not evaluated, and the functional significance of this variant is currently unknown. In summary, the available evidence is currently insufficient to determine the role of this variant in disease. Therefore, it has been classified as a Variant of Uncertain Significance.

Eurofins Ntd Llc (ga)
Classification: Uncertain significance. Last evaluated: 2015-02-20. Review status: criteria provided, single submitter. Criteria: EGL Classification Definitions 2015. Collection method: clinical testing. Allele origin: germline. Observed: 1 variant allele, 1 heterozygote.

Institute of Human Genetics, Univ. Regensburg, Univ. Regensburg
Classification: Uncertain significance for Retinal dystrophy. Last evaluated: 2023-01-01. Review status: no assertion criteria provided. Criteria: ACMG Guidelines, 2015. Collection method: clinical testing. Allele origin: germline. Affected: yes. Not counted in ClinVar's aggregate classification.